The following is an entry in ClinVar:

NM_005393.3(PLXNB3):c.1925G>A (p.Arg642Gln)

Gene: PLXNB3 (plexin B3; plus strand). Cytogenetic location: Xq28.
Variant type: single nucleotide variant.
Coding change: c.1925G>A on transcript NM_005393.3 (MANE Select); coding-DNA position 1925, G replaced by A.
Protein change: p.Arg642Gln; replaces arginine 642 with glutamine.
Molecular consequence: missense variant.
Genome position (GRCh38, 1-based): chrX:153,770,557, G>A. VCF-style: chrX-153770557-G-A. GRCh37 (hg19) VCF-style: chrX-153036012-G-A.
Other names: c.1994G>A, p.Arg665Gln (NM_001163257.2); short protein forms R642Q, R665Q.
Identifiers: ClinVar variation 2367620 (VCV002367620.5), dbSNP rs782469938, ClinGen allele CA10551013.

ClinVar aggregate classification (germline): Uncertain significance. Review status: criteria provided, single submitter (1 of 4 stars). 2 submissions from 2 submitters: Uncertain significance (1). 1 of the submissions does not count toward it. Last evaluated 2025-03-25.

Conditions:
PLXNB3-related disorder. Also called: PLXNB3-related condition.

Allele frequency attached by ClinVar (database versions not stated): gnomAD 0.00007; TOPMed 0.00009; 1000 Genomes Project 30x 0.00042; 1000 Genomes Project 0.00053; gnomAD exomes 0.00006; ExAC 0.00018.
gnomAD v4.1: 72 of 1,210,451 alleles (0.0059%); highest among the groups gnomAD compares: East Asian, 0.071%; no homozygotes.

Submissions (2):

Ambry Genetics
Classification: Uncertain significance. Last evaluated: 2025-03-25. Review status: criteria provided, single submitter. Criteria: Ambry Variant Classification Scheme 2023. Collection method: clinical testing. Allele origin: germline.

PreventionGenetics, part of Exact Sciences
Classification: Likely benign for PLXNB3-related condition. Last evaluated: 2023-03-20. Review status: no assertion criteria provided. Collection method: clinical testing. Allele origin: germline. Not counted in ClinVar's aggregate classification.
Comment: This variant is classified as likely benign based on ACMG/AMP sequence variant interpretation guidelines (Richards et al. 2015 PMID: 25741868, with internal and published modifications).